The following is an entry in ClinVar:

NM_021020.5(LZTS1):c.310C>A (p.Pro104Thr)

Gene: LZTS1 (leucine zipper tumor suppressor 1; minus strand). Cytogenetic location: 8p21.3.
Variant type: single nucleotide variant.
Coding change: c.310C>A on transcript NM_021020.5 (MANE Select); coding-DNA position 310, C replaced by A.
Protein change: p.Pro104Thr; replaces proline 104 with threonine.
Molecular consequence: missense variant.
Genome position (GRCh38, 1-based): chr8:20,254,872, G>T on the plus strand (C>A on the coding strand, the complement: LZTS1 is on the minus strand). VCF-style: chr8-20254872-G-T. GRCh37 (hg19) VCF-style: chr8-20112383-G-T.
Other names: c.310C>A, p.Pro104Thr (NM_001362884.2); short protein forms P104T.
Identifiers: ClinVar variation 1920855 (VCV001920855.5), dbSNP rs200437710, ClinGen allele CA4657564.
Genomic context (GRCh38, chr8:20,254,872, plus strand): 5'-ACCCTTGCCAGCGACCCCCGCTTACCATTTCTAGCTGATTGGAGAAGGGCATGAGCTTGG[G>T]GGGTGTGGACGGGTCAAAGTCCACCCCAGCCTGGCCCCCTAAATCCCCGCTGGACAGTGC-3'
Protein context (NP_066300.1, residues 94-114): AGVDFDPSTP[Pro104Thr]KLMPFSNQLE

ClinVar aggregate classification (germline): Uncertain significance (1 of 4 stars; one submission).

Allele frequency attached by ClinVar (database versions not stated): ExAC 0.00001; gnomAD 0.00002; TOPMed 0.00002; 1000 Genomes Project 30x 0.00016; 1000 Genomes Project 0.00020.
gnomAD v4.1: 3 of 1,613,544 alleles (0.00019%); highest among the groups gnomAD compares: Admixed American, 0.005%; no homozygotes.

Submission:

Labcorp Genetics (formerly Invitae), Labcorp
Classification: Uncertain significance. Last evaluated: 2022-02-08. Review status: criteria provided, single submitter. Criteria: Invitae Variant Classification Sherloc (09022015). Collection method: clinical testing. Allele origin: germline.
Comment: In summary, the available evidence is currently insufficient to determine the role of this variant in disease. Therefore, it has been classified as a Variant of Uncertain Significance. Algorithms developed to predict the effect of missense changes on protein structure and function are either unavailable or do not agree on the potential impact of this missense change (SIFT: "Tolerated"; PolyPhen-2: "Probably Damaging"; Align-GVGD: "Class C0"). This variant has not been reported in the literature in individuals affected with LZTS1-related conditions. This variant is present in population databases (rs200437710, gnomAD 0.003%). This sequence change replaces proline, which is neutral and non-polar, with threonine, which is neutral and polar, at codon 104 of the LZTS1 protein (p.Pro104Thr).